The following is an entry in ClinVar:

NM_006269.2(RP1):c.5064T>A (p.Ser1688Arg)

Genes: RP1 (RP1 axonemal microtubule associated; plus strand), LOC126860392 (CDK7 strongly-dependent group 2 enhancer GRCh37_chr8:55541319-55542518; plus strand). Cytogenetic location: 8q12.1.
Variant type: single nucleotide variant.
Coding change: c.5064T>A on transcript NM_006269.2 (MANE Select); coding-DNA position 5064, T replaced by A.
Protein change: p.Ser1688Arg; replaces serine 1688 with arginine.
Molecular consequence: missense variant. On other transcripts: intron variant (1).
Genome position (GRCh38, 1-based): chr8:54,628,946, T>A. VCF-style: chr8-54628946-T-A. GRCh37 (hg19) VCF-style: chr8-55541506-T-A.
Other names: c.787+6658T>A (NM_001375654.1); short protein forms S1688R.
Identifiers: ClinVar variation 1035680 (VCV001035680.10), dbSNP rs1806164789, ClinGen allele CA370984771.

ClinVar aggregate classification (germline): Uncertain significance (1 of 4 stars; one submission).

Submission:

Labcorp Genetics (formerly Invitae), Labcorp
Classification: Uncertain significance. Last evaluated: 2020-02-18. Review status: criteria provided, single submitter. Criteria: Invitae Variant Classification Sherloc (09022015). Collection method: clinical testing. Allele origin: germline.
Comment: This sequence change replaces serine with arginine at codon 1688 of the RP1 protein (p.Ser1688Arg). The serine residue is weakly conserved and there is a moderate physicochemical difference between serine and arginine. This variant is not present in population databases (ExAC no frequency). This variant has not been reported in the literature in individuals with RP1-related conditions. Algorithms developed to predict the effect of missense changes on protein structure and function output the following: SIFT: "Tolerated"; PolyPhen-2: "Benign"; Align-GVGD: "Class C0". The arginine amino acid residue is found in multiple mammalian species, suggesting that this missense change does not adversely affect protein function. These predictions have not been confirmed by published functional studies and their clinical significance is uncertain. In summary, the available evidence is currently insufficient to determine the role of this variant in disease. Therefore, it has been classified as a Variant of Uncertain Significance.